The following is an entry in ClinVar:

NM_031272.5(TEX14):c.1978A>G (p.Met660Val)

Gene: TEX14 (testis expressed 14, intercellular bridge forming factor; minus strand). Cytogenetic location: 17q22.
Variant type: single nucleotide variant.
Coding change: c.1978A>G on transcript NM_031272.5 (MANE Select); coding-DNA position 1978, A replaced by G.
Protein change: p.Met660Val; replaces methionine 660 with valine.
Molecular consequence: missense variant.
Genome position (GRCh38, 1-based): chr17:58,599,367, T>C on the plus strand (A>G on the coding strand, the complement: TEX14 is on the minus strand). VCF-style: chr17-58599367-T-C. GRCh37 (hg19) VCF-style: chr17-56676728-T-C.
Other names: c.1978A>G, p.Met660Val (NM_198393.4); c.1996A>G, p.Met666Val (NM_001201457.2); short protein forms M660V, M666V.
Identifiers: ClinVar variation 3055939 (VCV003055939.3), dbSNP rs79033527, ClinGen allele CA8676246.

ClinVar aggregate classification (germline): Uncertain significance. Review status: criteria provided, single submitter (1 of 4 stars). 2 submissions from 2 submitters: Uncertain significance (1). 1 of the submissions does not count toward it. Last evaluated 2025-09-11.

Conditions:
TEX14-related disorder. Also called: TEX14-related condition.

Allele frequency attached by ClinVar (database versions not stated): gnomAD exomes 0.00032; ExAC 0.00091; gnomAD 0.00300; ESP Exome Variant Server 0.00346; TOPMed 0.00356; 1000 Genomes Project 0.00359; 1000 Genomes Project 30x 0.00359.
gnomAD v4.1: 941 of 1,614,178 alleles (0.058%); highest among the groups gnomAD compares: African/African-American, 1.1%; 3 homozygotes.

Submissions (2):

Ambry Genetics
Classification: Uncertain significance. Last evaluated: 2025-09-11. Review status: criteria provided, single submitter. Criteria: Ambry Variant Classification Scheme 2023. Collection method: clinical testing. Allele origin: germline.

PreventionGenetics, part of Exact Sciences
Classification: Likely benign for TEX14-related condition. Last evaluated: 2019-03-25. Review status: no assertion criteria provided. Collection method: clinical testing. Allele origin: germline. Not counted in ClinVar's aggregate classification.
Comment: This variant is classified as likely benign based on ACMG/AMP sequence variant interpretation guidelines (Richards et al. 2015 PMID: 25741868, with internal and published modifications).